The following is an entry in ClinVar:

NM_001267550.2(TTN):c.37939G>A (p.Val12647Ile)

Gene: TTN (titin; minus strand). Cytogenetic location: 2q31.2.
Variant type: single nucleotide variant.
Coding change: c.37939G>A on transcript NM_001267550.2 (MANE Select); coding-DNA position 37939, G replaced by A.
Protein change: p.Val12647Ile; replaces valine 12647 with isoleucine.
Molecular consequence: missense variant. On other transcripts: intron variant (5).
Genome position (GRCh38, 1-based): chr2:178,657,702, C>T on the plus strand (G>A on the coding strand, the complement: TTN is on the minus strand). VCF-style: chr2-178657702-C-T. GRCh37 (hg19) VCF-style: chr2-179522429-C-T.
Other names: c.13283-15385G>A (NM_003319.4); c.13859-15385G>A (NM_133437.4); c.13658-15385G>A (NM_133432.3); c.31741+1303G>A (NM_133378.4); c.34522+1303G>A (NM_001256850.1); short protein forms V12647I.
Identifiers: ClinVar variation 3239419 (VCV003239419.19), dbSNP rs2472643183.

ClinVar aggregate classification (germline): Uncertain significance (1 of 4 stars; one submission).

Submission:

CeGaT Center for Human Genetics Tuebingen
Classification: Uncertain significance. Last evaluated: 2024-05-01. Review status: criteria provided, single submitter. Criteria: CeGaT Center For Human Genetics Tuebingen Variant Classification Criteria Version 2. Collection method: clinical testing. Allele origin: germline. Affected: yes. Observed: 1 variant allele.
Comment: TTN: PM2